The following is an entry in ClinVar:

NM_018972.4(GDAP1):c.257T>A (p.Ile86Lys)

Gene: GDAP1 (ganglioside induced differentiation associated protein 1; plus strand). Cytogenetic location: 8q21.11.
Variant type: single nucleotide variant.
Coding change: c.257T>A on transcript NM_018972.4 (MANE Select); coding-DNA position 257, T replaced by A.
Protein change: p.Ile86Lys; replaces isoleucine 86 with lysine.
Molecular consequence: missense variant. On other transcripts: intron variant (2).
Genome position (GRCh38, 1-based): chr8:74,351,413, T>A. VCF-style: chr8-74351413-T-A. GRCh37 (hg19) VCF-style: chr8-75263648-T-A.
Other names: c.53T>A, p.Ile18Lys (NM_001040875.4); c.257T>A, p.Ile86Lys (NM_001362930.2, NM_001362931.2); c.-18+92T>A (NM_001362929.2); c.-18+835T>A (NM_001362932.2); short protein forms I86K, I18K.
Identifiers: ClinVar variation 2076730 (VCV002076730.5), dbSNP rs766741386, ClinGen allele CA4785063.
Genomic context (GRCh38, chr8:74,351,413, plus strand): 5'-CTTGGTTTATGCGTTTGAACTCAACTGGAGAAGTGCCTGTCCTTATCCACGGGGAAAACA[T>A]AATTTGTGAGGCCACTCAGATCATTGATTATCTTGAACAGACTTTCCTGGATGGTAATGT-3'
Protein context (NP_061845.2, residues 76-96): EVPVLIHGEN[Ile86Lys]ICEATQIIDY

ClinVar aggregate classification (germline): Uncertain significance. Review status: criteria provided, multiple submitters, no conflicts (2 of 4 stars). 2 submissions from 2 submitters: Uncertain significance (2). Last evaluated 2026-01-08.

Conditions:
Inborn genetic diseases. Identifiers: MedGen C0950123, MeSH D030342.
Charcot-Marie-Tooth disease type 4A. Also called: Charcot-Marie-Tooth disease, demyelinating, autosomal recessive, type 4a. Identifiers: Orphanet 99948, MedGen C1859198, MONDO:0008961, OMIM 214400.

Allele frequency attached by ClinVar (database versions not stated): gnomAD 0.00001; gnomAD exomes 0.00001; TOPMed 0.00003; ExAC 0.00005.
gnomAD v4.1: 17 of 1,613,978 alleles (0.0011%); highest among the groups gnomAD compares: Admixed American, 0.028%; no homozygotes.

Submissions (2):

Labcorp Genetics (formerly Invitae), Labcorp
Classification: Uncertain significance for Charcot-Marie-Tooth disease type 4A. Last evaluated: 2026-01-08. Review status: criteria provided, single submitter. Criteria: Invitae Variant Classification Sherloc (09022015). Collection method: clinical testing. Allele origin: germline.
Comment: This sequence change replaces isoleucine, which is neutral and non-polar, with lysine, which is basic and polar, at codon 86 of the GDAP1 protein (p.Ile86Lys). This variant is present in population databases (rs766741386, gnomAD 0.04%). This variant has not been reported in the literature in individuals affected with GDAP1-related conditions. ClinVar contains an entry for this variant (Variation ID: 2076730). Invitae Evidence Modeling of protein sequence and biophysical properties (such as structural, functional, and spatial information, amino acid conservation, physicochemical variation, residue mobility, and thermodynamic stability) indicates that this missense variant is not expected to disrupt GDAP1 protein function with a negative predictive value of 80%. In summary, the available evidence is currently insufficient to determine the role of this variant in disease. Therefore, it has been classified as a Variant of Uncertain Significance.

Ambry Genetics
Classification: Uncertain significance for Inborn genetic diseases. Last evaluated: 2021-08-23. Review status: criteria provided, single submitter. Criteria: Ambry Variant Classification Scheme 2023. Collection method: clinical testing. Allele origin: germline.